The following is an entry in ClinVar:

NM_001286577.2(C2CD3):c.4951+6C>T

Gene: C2CD3 (C2 domain containing 3 centriole elongation regulator; minus strand). Cytogenetic location: 11q13.4.
Variant type: single nucleotide variant.
Coding change: c.4951+6C>T on transcript NM_001286577.2 (MANE Select); 6 bases into the intron after coding-DNA position 4951, C replaced by T.
Molecular consequence: intron variant.
Genome position (GRCh38, 1-based): chr11:74,074,247, G>A on the plus strand (C>T on the coding strand, the complement: C2CD3 is on the minus strand). VCF-style: chr11-74074247-G-A. GRCh37 (hg19) VCF-style: chr11-73785292-G-A.
Other names: c.4951+6C>T (NM_015531.6, NM_015531.4).
Identifiers: ClinVar variation 1438368 (VCV001438368.5), dbSNP rs767978670, ClinGen allele CA6182035.

ClinVar aggregate classification (germline): Uncertain significance. Review status: criteria provided, multiple submitters, no conflicts (2 of 4 stars). 2 submissions from 2 submitters: Uncertain significance (2). Last evaluated 2024-11-05.

Conditions:
Inborn genetic diseases. Identifiers: MedGen C0950123, MeSH D030342.

Allele frequency attached by ClinVar (database versions not stated): gnomAD 0.00003; gnomAD exomes 0.00003 and 0.00013; TOPMed 0.00004; ExAC 0.00013.
gnomAD v4.1: 40 of 1,603,554 alleles (0.0025%); highest among the groups gnomAD compares: Admixed American, 0.064%; no homozygotes.

Submissions (2):

Labcorp Genetics (formerly Invitae), Labcorp
Classification: Uncertain significance. Last evaluated: 2024-11-05. Review status: criteria provided, single submitter. Criteria: Invitae Variant Classification Sherloc (09022015). Collection method: clinical testing. Allele origin: germline.
Comment: This sequence change falls in intron 24 of the C2CD3 gene. It does not directly change the encoded amino acid sequence of the C2CD3 protein. It affects a nucleotide within the consensus splice site. This variant is present in population databases (rs767978670, gnomAD 0.1%). This variant has not been reported in the literature in individuals affected with C2CD3-related conditions. ClinVar contains an entry for this variant (Variation ID: 1438368). Variants that disrupt the consensus splice site are a relatively common cause of aberrant splicing (PMID: 17576681, 9536098). Algorithms developed to predict the effect of sequence changes on RNA splicing suggest that this variant is not likely to affect RNA splicing. In summary, the available evidence is currently insufficient to determine the role of this variant in disease. Therefore, it has been classified as a Variant of Uncertain Significance.

Ambry Genetics
Classification: Uncertain significance for Inborn genetic diseases. Last evaluated: 2022-06-17. Review status: criteria provided, single submitter. Criteria: Ambry Variant Classification Scheme 2023. Collection method: clinical testing. Allele origin: germline.
Comment: The c.4951+6C>T intronic alteration consists of a C to T substitution nucleotides after coding exon 24 in the C2CD3 gene. Based on insufficient or conflicting evidence, the clinical significance of this alteration remains unclear.

Literature cited by the submitters: PubMed 17576681 (cited by Labcorp Genetics (formerly Invitae), Labcorp); PubMed 9536098 (cited by Labcorp Genetics (formerly Invitae), Labcorp).